The following is an entry in ClinVar:

NM_207122.2(EXT2):c.1006C>T (p.Gln336Ter)

Gene: EXT2 (exostosin glycosyltransferase 2; plus strand). Cytogenetic location: 11p11.2.
Variant type: single nucleotide variant.
Coding change: c.1006C>T on transcript NM_207122.2 (MANE Select); coding-DNA position 1006, C replaced by T.
Protein change: p.Gln336Ter; replaces glutamine 336 with a stop codon.
Molecular consequence: nonsense.
Genome position (GRCh38, 1-based): chr11:44,126,882, C>T. VCF-style: chr11-44126882-C-T. GRCh37 (hg19) VCF-style: chr11-44148432-C-T.
Other names: c.1105C>T, p.Gln369Ter (NM_000401.3); c.1006C>T, p.Gln336Ter (NM_001178083.3, NM_001389628.1, NM_001389630.1); short protein forms Q336*, Q369*.
Identifiers: ClinVar variation 935468 (VCV000935468.14), dbSNP rs1954414269, ClinGen allele CA380169002.

ClinVar aggregate classification (germline): Pathogenic. Review status: criteria provided, multiple submitters, no conflicts (2 of 4 stars). 3 submissions from 3 submitters: Pathogenic (3). Last evaluated 2023-12-27.

Conditions:
Exostoses, multiple, type 2 (EXT2). Also called: Hereditary Multiple Osteochondromatosis, Type II; EXOSTOSES, MULTIPLE, TYPE II. Identifiers: Orphanet 321, MedGen C1851413, MONDO:0007586, OMIM 133701.

Submissions (3):

Labcorp Genetics (formerly Invitae), Labcorp
Classification: Pathogenic for Exostoses, multiple, type 2. Last evaluated: 2023-12-27. Review status: criteria provided, single submitter. Criteria: Invitae Variant Classification Sherloc (09022015). Collection method: clinical testing. Allele origin: germline.
Comment: This sequence change creates a premature translational stop signal (p.Gln336*) in the EXT2 gene. It is expected to result in an absent or disrupted protein product. Loss-of-function variants in EXT2 are known to be pathogenic (PMID: 10679937, 19810120). This variant is not present in population databases (gnomAD no frequency). This premature translational stop signal has been observed in individual(s) with hereditary multiple osteochondromatosis (PMID: 19504431). It has also been observed to segregate with disease in related individuals. ClinVar contains an entry for this variant (Variation ID: 935468). For these reasons, this variant has been classified as Pathogenic.

Victorian Clinical Genetics Services, Murdoch Childrens Research Institute
Classification: Pathogenic for Exostoses, multiple, type 2. Last evaluated: 2023-07-16. Review status: criteria provided, single submitter. Criteria: ACMG Guidelines, 2015. Collection method: clinical testing. Allele origin: germline. Inheritance: Autosomal dominant inheritance. Affected: yes.
Comment: Based on the classification scheme VCGS_Germline_v1.3.4, this variant is classified as Pathogenic. Following criteria are met: 0102 - Loss of function is a known mechanism of disease in this gene and is associated with multiple exostoses type 2 (MIM#133701). (I) 0108 - This gene is associated with both recessive and dominant disease (OMIM). (I) 0115 - Variants in this gene are known to have variable expressivity, which explains clinically undiagnosed familial cases with no or unidentified mild symptoms (PMIDs: 29529714, 31096510). (I) 0201 - Variant is predicted to cause nonsense-mediated decay (NMD) and loss of protein (premature termination codon is located at least 54 nucleotides upstream of the final exon-exon junction). (SP) 0251 - This variant is heterozygous. (I) 0301 - Variant is absent from gnomAD (both v2 and v3). (SP) 0701 - Other variants predicted to result in NMD comparable to the one identified in this case have very strong previous evidence for pathogenicity (DECIPHER). (SP) 0802 - This variant has moderate previous evidence of pathogenicity in unrelated individuals. It has been reported in one individual with hereditary multiple exostoses (PMID: 19504431) and as pathogenic in ClinVar by diagnostic laboratories. (SP) 0905 - No published segregation evidence has been identified for this variant. (I) 1007 - No published functional evidence has been identified for this variant. (I) 1207 - Parental origin of the variant is unresolved. Legend: (SP) - Supporting pathogenic, (I) - Information, (SB) - Supporting benign

Greenwood Genetic Center Diagnostic Laboratories, Greenwood Genetic Center
Classification: Pathogenic for Exostoses, multiple, type 2. Last evaluated: 2021-05-12. Review status: criteria provided, single submitter. Criteria: ACMG Guidelines, 2015. Collection method: clinical testing. Allele origin: germline. Affected: yes.
Comment: PVS1, PP1, PM2

Literature cited by the submitters: PubMed 10679937 (cited by Labcorp Genetics (formerly Invitae), Labcorp); PubMed 19810120 (cited by Labcorp Genetics (formerly Invitae), Labcorp); PubMed 19504431 (cited by Labcorp Genetics (formerly Invitae), Labcorp and Victorian Clinical Genetics Services, Murdoch Childrens Research Institute); PubMed 29529714 (cited by Victorian Clinical Genetics Services, Murdoch Childrens Research Institute); PubMed 31096510 (cited by Victorian Clinical Genetics Services, Murdoch Childrens Research Institute).